The following is an entry in ClinVar:

NM_015175.3(NBEAL2):c.4117G>C (p.Gly1373Arg)

Gene: NBEAL2 (neurobeachin like 2; plus strand). Cytogenetic location: 3p21.31.
Variant type: single nucleotide variant.
Coding change: c.4117G>C on transcript NM_015175.3 (MANE Select); coding-DNA position 4117, G replaced by C.
Protein change: p.Gly1373Arg; replaces glycine 1373 with arginine.
Molecular consequence: missense variant.
Genome position (GRCh38, 1-based): chr3:47,000,216, G>C. VCF-style: chr3-47000216-G-C. GRCh37 (hg19) VCF-style: chr3-47041706-G-C.
Other names: p.Gly1373Arg; c.4015G>C, p.Gly1339Arg (NM_001365116.2); short protein forms G1339R, G1373R.
Identifiers: ClinVar variation 3051687 (VCV003051687.4), dbSNP rs141684812, ClinGen allele CA2361146.

ClinVar aggregate classification (germline): Likely benign. Review status: criteria provided, multiple submitters, no conflicts (2 of 4 stars). 3 submissions from 3 submitters: Likely benign (2). 1 of the submissions does not count toward it. Last evaluated 2025-01-07.

Conditions:
NBEAL2-related disorder. Also called: NBEAL2-related condition.

Allele frequency attached by ClinVar (database versions not stated): gnomAD exomes 0.00016; ExAC 0.00067; ESP Exome Variant Server 0.00174; gnomAD 0.00192; TOPMed 0.00207; 1000 Genomes Project 0.00319; 1000 Genomes Project 30x 0.00328.
gnomAD v4.1: 532 of 1,613,666 alleles (0.033%); highest among the groups gnomAD compares: African/African-American, 0.64%; 2 homozygotes.

Submissions (3):

Mayo Clinic Laboratories, Mayo Clinic
Classification: Likely benign. Last evaluated: 2025-01-07. Review status: criteria provided, single submitter. Criteria: ACMG Guidelines, 2015. Collection method: clinical testing. Allele origin: germline. Observed: 1 variant allele.
Comment: BS1, BP4_moderate

Blueprint Genetics
Classification: Likely benign. Last evaluated: 2024-11-05. Review status: criteria provided, single submitter. Criteria: ACMG Guidelines, 2015. Collection method: clinical testing. Allele origin: germline.

PreventionGenetics, part of Exact Sciences
Classification: Likely benign for NBEAL2-related condition. Last evaluated: 2019-04-25. Review status: no assertion criteria provided. Collection method: clinical testing. Allele origin: germline. Not counted in ClinVar's aggregate classification.
Comment: This variant is classified as likely benign based on ACMG/AMP sequence variant interpretation guidelines (Richards et al. 2015 PMID: 25741868, with internal and published modifications).